The following is an entry in ClinVar:

NM_004525.3(LRP2):c.9911G>A (p.Arg3304His)

Gene: LRP2 (LDL receptor related protein 2; minus strand). Cytogenetic location: 2q31.1.
Variant type: single nucleotide variant.
Coding change: c.9911G>A on transcript NM_004525.3 (MANE Select); coding-DNA position 9911, G replaced by A.
Protein change: p.Arg3304His; replaces arginine 3304 with histidine.
Molecular consequence: missense variant.
Genome position (GRCh38, 1-based): chr2:169,182,254, C>T on the plus strand (G>A on the coding strand, the complement: LRP2 is on the minus strand). VCF-style: chr2-169182254-C-T. GRCh37 (hg19) VCF-style: chr2-170038764-C-T.
Other names: short protein forms R3304H.
Identifiers: ClinVar variation 1475914 (VCV001475914.6), dbSNP rs888091809, ClinGen allele CA59916232.

ClinVar aggregate classification (germline): Uncertain significance (1 of 4 stars; one submission).

Allele frequency attached by ClinVar (database versions not stated): gnomAD exomes below 0.00001 and 0.00001; gnomAD 0.00001.
gnomAD v4.1: 22 of 1,613,970 alleles (0.0014%); highest among the groups gnomAD compares: Admixed American, 0.0017%; no homozygotes.

Submission:

Labcorp Genetics (formerly Invitae), Labcorp
Classification: Uncertain significance. Last evaluated: 2025-03-17. Review status: criteria provided, single submitter. Criteria: Invitae Variant Classification Sherloc (09022015). Collection method: clinical testing. Allele origin: germline.
Comment: This sequence change replaces arginine, which is basic and polar, with histidine, which is basic and polar, at codon 3304 of the LRP2 protein (p.Arg3304His). This variant is not present in population databases (gnomAD no frequency). This variant has not been reported in the literature in individuals affected with LRP2-related conditions. ClinVar contains an entry for this variant (Variation ID: 1475914). An algorithm developed to predict the effect of missense changes on protein structure and function outputs the following: PolyPhen-2: "Benign". The histidine amino acid residue is found in multiple mammalian species, which suggests that this missense change does not adversely affect protein function. In summary, the available evidence is currently insufficient to determine the role of this variant in disease. Therefore, it has been classified as a Variant of Uncertain Significance.